The following is an entry in ClinVar:

ClinVar aggregate classification (germline): Uncertain significance (1 of 4 stars; one submission).

Conditions:
Focal segmental glomerulosclerosis 5 (FSGS5). Identifiers: Orphanet 656, MedGen C2750475, MONDO:0013191, OMIM 613237.
Charcot-Marie-Tooth disease dominant intermediate E. Also called: CHARCOT-MARIE-TOOTH NEUROPATHY WITH FOCAL SEGMENTAL GLOMERULONEPHRITIS. Identifiers: Orphanet 93114, MedGen C4302667, MONDO:0013758, OMIM 614455.

Submission:

Labcorp Genetics (formerly Invitae), Labcorp
Classification: Uncertain significance for Charcot-Marie-Tooth disease dominant intermediate E; Focal segmental glomerulosclerosis 5. Last evaluated: 2024-12-06. Review status: criteria provided, single submitter. Criteria: Invitae Variant Classification Sherloc (09022015). Collection method: clinical testing. Allele origin: germline.
Comment: This sequence change replaces glycine, which is neutral and non-polar, with arginine, which is basic and polar, at codon 1025 of the INF2 protein (p.Gly1025Arg). This variant is not present in population databases (gnomAD no frequency). This variant has not been reported in the literature in individuals affected with INF2-related conditions. Invitae Evidence Modeling of protein sequence and biophysical properties (such as structural, functional, and spatial information, amino acid conservation, physicochemical variation, residue mobility, and thermodynamic stability) indicates that this missense variant is not expected to disrupt INF2 protein function with a negative predictive value of 95%. In summary, the available evidence is currently insufficient to determine the role of this variant in disease. Therefore, it has been classified as a Variant of Uncertain Significance.

NM_022489.4(INF2):c.3073G>C (p.Gly1025Arg)

Gene: INF2 (inverted formin 2; plus strand). Cytogenetic location: 14q32.33.
Variant type: single nucleotide variant.
Coding change: c.3073G>C on transcript NM_022489.4 (MANE Select); coding-DNA position 3073, G replaced by C.
Protein change: p.Gly1025Arg; replaces glycine 1025 with arginine.
Molecular consequence: missense variant. On other transcripts: non-coding transcript variant (1).
Genome position (GRCh38, 1-based): chr14:104,714,235, G>C. VCF-style: chr14-104714235-G-C. GRCh37 (hg19) VCF-style: chr14-105180572-G-C.
Other names: c.3073G>C, p.Gly1025Arg (NM_001031714.4, NM_001426862.1, NM_001426863.1 and 2 more transcripts); short protein forms G1025R.
Identifiers: ClinVar variation 3753957 (VCV003753957.2).
Genomic context (GRCh38, chr14:104,714,235, plus strand): 5'-CCCTTCACTGGTGTGTCCCTCCATCCAGTGGCCACCAGTAACCCTGCAGGAGATCCCGTG[G>C]GCAGCACGCGCTGTCCCGCCTCTGAGCCCGGCCTTGATGCTACAACAGCCAGCGAGTCCC-3'
Protein context (NP_071934.3, residues 1015-1035): ATSNPAGDPV[Gly1025Arg]STRCPASEPG